The following is an entry in ClinVar:

ClinVar aggregate classification (germline): Likely benign (1 of 4 stars; one submission).

Submission:

CeGaT Center for Human Genetics Tuebingen
Classification: Likely benign. Last evaluated: 2023-11-01. Review status: criteria provided, single submitter. Criteria: CeGaT Center For Human Genetics Tuebingen Variant Classification Criteria Version 2. Collection method: clinical testing. Allele origin: germline. Affected: yes. Observed: 1 variant allele.
Comment: MED13L: PM2:Supporting, BP4, BP7

NM_015335.5(MED13L):c.3060A>C (p.Thr1020=)

Gene: MED13L (mediator complex subunit 13L; minus strand). Cytogenetic location: 12q24.21.
Variant type: single nucleotide variant.
Coding change: c.3060A>C on transcript NM_015335.5 (MANE Select); coding-DNA position 3060, A replaced by C.
Protein change: p.Thr1020=; no amino-acid change (threonine 1020 retained).
Molecular consequence: synonymous variant.
Genome position (GRCh38, 1-based): chr12:115,991,894, T>G on the plus strand (A>C on the coding strand, the complement: MED13L is on the minus strand). VCF-style: chr12-115991894-T-G. GRCh37 (hg19) VCF-style: chr12-116429699-T-G.
Identifiers: ClinVar variation 2672524 (VCV002672524.23), dbSNP rs2499858262, ClinGen allele CA481948907.